The following is an entry in ClinVar:

ClinVar aggregate classification (germline): Uncertain significance (1 of 4 stars; one submission).

Conditions:
Isolated focal cortical dysplasia type II (FCORD2). Also called: CORTICAL DYSPLASIA OF TAYLOR; Focal cortical dysplasia type II. Identifiers: Orphanet 268994, MedGen C1846385, MONDO:0011818, OMIM 607341, HP:0032051.
Lymphangiomyomatosis (LAM). Also called: Lymphangioleiomyomatosis, somatic; Lymphangioleiomyomatosis. Identifiers: Orphanet 538, MedGen C0751674, MONDO:0011705, OMIM 606690.
Tuberous sclerosis 2 (TSC2). Identifiers: Orphanet 805, MedGen C1860707, MONDO:0013199, OMIM 613254.

Submission:

Center for Genomics, Ann and Robert H. Lurie Children's Hospital of Chicago
Classification: Uncertain significance for Lymphangiomyomatosis; Isolated focal cortical dysplasia type II; Tuberous sclerosis 2. Review status: criteria provided, single submitter. Criteria: ACMG Guidelines, 2015. Collection method: clinical testing. Allele origin: germline.
Comment: TSC2 NM_000548.4 exon5 c.481+5G>C: This variant has not been reported in the literature and is not present in large control databases. Evolutionary conservation and computational predictive tools for this variant are limited or unavailable. Splice prediction tools suggest that this variant may affect splicing. However, further studies are needed to understand its impact. In summary, data on this variant is insufficient for disease classification. Therefore, the clinical significance of this variant is uncertain.

NM_000548.5(TSC2):c.481+5G>C

Gene: TSC2 (TSC complex subunit 2; plus strand). Cytogenetic location: 16p13.3.
Variant type: single nucleotide variant.
Coding change: c.481+5G>C on transcript NM_000548.5 (MANE Select); 5 bases into the intron after coding-DNA position 481, G replaced by C.
Molecular consequence: intron variant.
Genome position (GRCh38, 1-based): chr16:2,054,445, G>C. VCF-style: chr16-2054445-G-C. GRCh37 (hg19) VCF-style: chr16-2104446-G-C.
Other names: c.481+5G>C (NM_001114382.3, NM_021055.3, NM_001370405.1 and 3 more transcripts); c.370+5G>C (NM_001318827.2); c.-1-1751G>C (NM_001318831.2); c.334+5G>C (NM_001318829.2); c.514+5G>C (NM_001318832.2).
Identifiers: ClinVar variation 828016 (VCV000828016.3), dbSNP rs137854135, ClinGen allele CA915946218.
Genomic context (GRCh38, chr16:2,054,445, plus strand): 5'-TTTCAAGGCCCTCACAGACAATGGGAGACACATCACCTACTTGGAGGAAGAGCTGGGTGG[G>C]TGCCACCTTGGGTTGGAGGTTTCTCTGGCCTTGACGATCAAGTGTAACCTGGATGGGAAG-3'